The following is an entry in ClinVar:

NM_000093.5(COL5A1):c.4703C>T (p.Pro1568Leu)

Genes: COL5A1 (collagen type V alpha 1 chain; plus strand), LOC101448202 (uncharacterized LOC101448202; minus strand). Cytogenetic location: 9q34.3.
Variant type: single nucleotide variant.
Coding change: c.4703C>T on transcript NM_000093.5 (MANE Select); coding-DNA position 4703, C replaced by T.
Protein change: p.Pro1568Leu; replaces proline 1568 with leucine.
Molecular consequence: missense variant.
Genome position (GRCh38, 1-based): chr9:134,824,604, C>T. VCF-style: chr9-134824604-C-T. GRCh37 (hg19) VCF-style: chr9-137716450-C-T.
Other names: p.Pro1568Leu; p.(Pro1568Leu); c.4703C>T, p.Pro1568Leu (NM_001278074.1); short protein forms P1568L.
Identifiers: ClinVar variation 449249 (VCV000449249.10), dbSNP rs780846555, ClinGen allele CA5320455.

ClinVar aggregate classification (germline): Conflicting classifications of pathogenicity. Review status: criteria provided, conflicting classifications (1 of 4 stars). 4 submissions from 4 submitters: Uncertain significance (3); Likely benign (1). Last evaluated 2026-01-19.

Conditions:
Ehlers-Danlos syndrome, classic type, 1 (EDSCL1). Also called: Ehlers-Danlos Syndrome, Classic Type, COL5A1-Related; EDS I; EHLERS-DANLOS SYNDROME, GRAVIS TYPE; EHLERS-DANLOS SYNDROME, SEVERE CLASSIC TYPE; Ehlers-Danlos syndrome, type 1. Identifiers: MedGen C0268335, MONDO:0019567, OMIM 130000.
Familial thoracic aortic aneurysm and aortic dissection (TAAD). Also called: Thoracic aortic aneurysms and dissections. Identifiers: Orphanet 91387, MedGen C4707243, MONDO:0019625.

Allele frequency attached by ClinVar (database versions not stated): gnomAD exomes 0.00003 and 0.00002; ExAC 0.00001; TOPMed 0.00002.
gnomAD v4.1: 41 of 1,614,058 alleles (0.0025%); highest among the groups gnomAD compares: Non-Finnish European, 0.0031%; no homozygotes.

Submissions (4):

Labcorp Genetics (formerly Invitae), Labcorp
Classification: Likely benign for Ehlers-Danlos syndrome, classic type, 1. Last evaluated: 2026-01-19. Review status: criteria provided, single submitter. Criteria: Invitae Variant Classification Sherloc (09022015). Collection method: clinical testing. Allele origin: germline.

Ambry Genetics
Classification: Uncertain significance for Familial thoracic aortic aneurysm and aortic dissection. Last evaluated: 2025-08-29. Review status: criteria provided, single submitter. Criteria: Ambry Variant Classification Scheme 2023. Collection method: clinical testing. Allele origin: germline.
Comment: The p.P1568L variant (also known as c.4703C>T), located in coding exon 62 of the COL5A1 gene, results from a C to T substitution at nucleotide position 4703. The proline at codon 1568 is replaced by leucine, an amino acid with similar properties. This variant was detected in a cohort of individuals with suspected Ehlers-Danlos syndrome (Wilson GN et al. Curr Issues Mol Biol, 2024 Mar;46:2620-2643). This amino acid position is highly conserved in available vertebrate species. In addition, the in silico prediction for this alteration is inconclusive. Based on the available evidence, the clinical significance of this variant remains unclear.

Mayo Clinic Laboratories, Mayo Clinic
Classification: Uncertain significance. Last evaluated: 2025-07-02. Review status: criteria provided, single submitter. Criteria: ACMG Guidelines, 2015. Collection method: clinical testing. Allele origin: germline. Observed: 1 variant allele.
Comment: PP3_moderate

GeneDx
Classification: Uncertain significance. Last evaluated: 2023-03-20. Review status: criteria provided, single submitter. Criteria: GeneDx Variant Classification Process June 2021. Collection method: clinical testing. Allele origin: germline. Affected: yes.
Comment: Has not been previously published as pathogenic or benign to our knowledge; Identified independently and in conjunction with additional variants in individuals referred for connective tissue disorder testing at GeneDx, but segregation data is limited or absent at this time; Not observed at significant frequency in large population cohorts (gnomAD); In silico analysis supports that this missense variant has a deleterious effect on protein structure/function; Occurs in the triple helical domain at the X position in the canonical Gly-X-Y repeat; although this variant may have an effect on normal protein folding and function, missense substitution at the X position is not a common mechanism of disease (Symoens et al., 2012; HGMD)

Literature cited by the submitters: PubMed 38534782 (cited by Ambry Genetics).